The following is an entry in ClinVar:

NM_017757.3(ZNF407):c.4530G>A (p.Glu1510=)

Gene: ZNF407 (zinc finger protein 407; plus strand). Cytogenetic location: 18q22.3.
Variant type: single nucleotide variant.
Coding change: c.4530G>A on transcript NM_017757.3 (MANE Select); coding-DNA position 4530, G replaced by A.
Protein change: p.Glu1510=; no amino-acid change (glutamic acid 1510 retained).
Molecular consequence: synonymous variant.
Genome position (GRCh38, 1-based): chr18:74,635,549, G>A. VCF-style: chr18-74635549-G-A. GRCh37 (hg19) VCF-style: chr18-72347505-G-A.
Other names: c.4530G>A, p.Glu1510= (NM_001146189.1, NM_001146190.1, NM_001384475.1).
Identifiers: ClinVar variation 3057134 (VCV003057134.2), dbSNP rs2511909281, ClinGen allele CA504568089.

ClinVar aggregate classification (germline): Likely benign (0 of 4 stars; one submission).

Conditions:
ZNF407-related disorder. Also called: ZNF407-related condition.

Allele frequency attached by ClinVar (database versions not stated): gnomAD exomes below 0.00001.
gnomAD v4.1: 3 of 1,613,740 alleles (0.00019%); highest among the groups gnomAD compares: Middle Eastern, 0.016%; no homozygotes.

Submission:

PreventionGenetics, part of Exact Sciences
Classification: Likely benign for ZNF407-related condition. Last evaluated: 2021-05-06. Review status: no assertion criteria provided. Collection method: clinical testing. Allele origin: germline.
Comment: This variant is classified as likely benign based on ACMG/AMP sequence variant interpretation guidelines (Richards et al. 2015 PMID: 25741868, with internal and published modifications).